The following is an entry in ClinVar:

ClinVar aggregate classification (germline): Uncertain significance (1 of 4 stars; one submission).

Submission:

Labcorp Genetics (formerly Invitae), Labcorp
Classification: Uncertain significance. Last evaluated: 2024-09-30. Review status: criteria provided, single submitter. Criteria: Invitae Variant Classification Sherloc (09022015). Collection method: clinical testing. Allele origin: germline.
Comment: This sequence change replaces leucine, which is neutral and non-polar, with proline, which is neutral and non-polar, at codon 464 of the CARD8 protein (p.Leu464Pro). This variant is not present in population databases (gnomAD no frequency). This variant has not been reported in the literature in individuals affected with CARD8-related conditions. An algorithm developed to predict the effect of missense changes on protein structure and function (PolyPhen-2) suggests that this variant is likely to be disruptive. In summary, the available evidence is currently insufficient to determine the role of this variant in disease. Therefore, it has been classified as a Variant of Uncertain Significance.

NM_001184900.3(CARD8):c.1541T>C (p.Leu514Pro)

Gene: CARD8 (caspase recruitment domain family member 8; minus strand). Cytogenetic location: 19q13.33.
Variant type: single nucleotide variant.
Coding change: c.1541T>C on transcript NM_001184900.3 (MANE Select); coding-DNA position 1541, T replaced by C.
Protein change: p.Leu514Pro; replaces leucine 514 with proline.
Molecular consequence: missense variant. On other transcripts: 3 prime UTR variant (7), non-coding transcript variant (3), intron variant (1).
Genome position (GRCh38, 1-based): chr19:48,211,783, A>G on the plus strand (T>C on the coding strand, the complement: CARD8 is on the minus strand). VCF-style: chr19-48211783-A-G. GRCh37 (hg19) VCF-style: chr19-48715040-A-G.
Other names: c.1391T>C, p.Leu464Pro (NM_001184901.1, NM_001351783.2, NM_014959.5); c.*220T>C (NM_001184902.2, NM_001184903.1, NM_001351788.2 and 4 more transcripts); c.1541T>C, p.Leu514Pro (NM_001351782.2); c.1226T>C, p.Leu409Pro (NM_001351784.2); c.1205T>C, p.Leu402Pro (NM_001351786.2); c.1223T>C, p.Leu408Pro (NM_001365950.1); c.1033+3557T>C (NM_001351787.2); short protein forms L464P, L514P, L402P, L409P, L408P.
Identifiers: ClinVar variation 3689798 (VCV003689798.2).